The following is an entry in ClinVar:

ClinVar aggregate classification (germline): Conflicting classifications of pathogenicity. Review status: criteria provided, conflicting classifications (1 of 4 stars). 3 submissions from 3 submitters: Uncertain significance (2); Likely benign (1). Last evaluated 2025-06-09.

Conditions:
Hereditary breast ovarian cancer syndrome. Also called: Hereditary breast and ovarian cancer; Breast and ovarian cancer; Hereditary breast and/or ovarian cancer syndrome; Hereditary breast and ovarian cancer syndrome (HBOC); BRCA1- and BRCA2-Associated Hereditary Breast and Ovarian Cancer; Hereditary breast and ovarian cancer syndrome. Identifiers: Orphanet 145, MedGen C0677776, MeSH D061325, MONDO:0003582. Disease mechanism: loss of function.
Hereditary cancer-predisposing syndrome. Also called: Neoplastic Syndromes, Hereditary; Tumor predisposition; Hereditary Cancer Syndrome; Hereditary neoplastic syndrome. Identifiers: Orphanet 140162, MedGen C0027672, MeSH D009386, MONDO:0015356.

Submissions (3):

Labcorp Genetics (formerly Invitae), Labcorp
Classification: Uncertain significance for Hereditary breast ovarian cancer syndrome. Last evaluated: 2025-06-09. Review status: criteria provided, single submitter. Criteria: Invitae Variant Classification Sherloc (09022015). Collection method: clinical testing. Allele origin: germline.
Comment: This sequence change replaces serine, which is neutral and polar, with proline, which is neutral and non-polar, at codon 353 of the BRCA2 protein (p.Ser353Pro). This variant is not present in population databases (gnomAD no frequency). This variant has not been reported in the literature in individuals affected with BRCA2-related conditions. ClinVar contains an entry for this variant (Variation ID: 1779024). Invitae Evidence Modeling of protein sequence and biophysical properties (such as structural, functional, and spatial information, amino acid conservation, physicochemical variation, residue mobility, and thermodynamic stability) indicates that this missense variant is not expected to disrupt BRCA2 protein function with a negative predictive value of 95%. In summary, the available evidence is currently insufficient to determine the role of this variant in disease. Therefore, it has been classified as a Variant of Uncertain Significance.

University of Washington Department of Laboratory Medicine, University of Washington
Classification: Likely benign for Hereditary cancer-predisposing syndrome. Last evaluated: 2023-03-23. Review status: criteria provided, single submitter. Criteria: Dines et al. (Genet Med. 2020). Collection method: curation. Allele origin: germline.
Comment: Missense variant in a coldspot region where missense variants are very unlikely to be pathogenic (PMID:31911673).

BRCA2 exon 10 coldspot. Reclassification based on statistical prior probability.

Ambry Genetics
Classification: Uncertain significance for Hereditary cancer-predisposing syndrome. Last evaluated: 2022-01-15. Review status: criteria provided, single submitter. Criteria: Ambry Variant Classification Scheme 2023. Collection method: clinical testing. Allele origin: germline.
Comment: The p.S353P variant (also known as c.1057T>C), located in coding exon 9 of the BRCA2 gene, results from a T to C substitution at nucleotide position 1057. The serine at codon 353 is replaced by proline, an amino acid with similar properties. This amino acid position is not well conserved in available vertebrate species. In addition, this alteration is predicted to be tolerated by in silico analysis. Since supporting evidence is limited at this time, the clinical significance of this alteration remains unclear.

NM_000059.4(BRCA2):c.1057T>C (p.Ser353Pro)

Gene: BRCA2 (BRCA2 DNA repair associated; plus strand). Cytogenetic location: 13q13.1.
Variant type: single nucleotide variant.
Coding change: c.1057T>C on transcript NM_000059.4 (MANE Select); coding-DNA position 1057, T replaced by C.
Protein change: p.Ser353Pro; replaces serine 353 with proline.
Molecular consequence: missense variant.
Genome position (GRCh38, 1-based): chr13:32,332,535, T>C. VCF-style: chr13-32332535-T-C. GRCh37 (hg19) VCF-style: chr13-32906672-T-C.
Other names: c.1057T>C, p.Ser353Pro (NM_001406719.1, NM_001406720.1, NM_001406721.1); short protein forms S353P.
Identifiers: ClinVar variation 1779024 (VCV001779024.5), dbSNP rs2137467235, ClinGen allele CA387761322.